The following is an entry in ClinVar:

NM_001111.5(ADAR):c.2939C>T (p.Ala980Val)

Gene: ADAR (adenosine deaminase RNA specific; minus strand). Cytogenetic location: 1q21.3.
Variant type: single nucleotide variant.
Coding change: c.2939C>T on transcript NM_001111.5 (MANE Select); coding-DNA position 2939, C replaced by T.
Protein change: p.Ala980Val; replaces alanine 980 with valine.
Molecular consequence: missense variant.
Genome position (GRCh38, 1-based): chr1:154,588,205, G>A on the plus strand (C>T on the coding strand, the complement: ADAR is on the minus strand). VCF-style: chr1-154588205-G-A. GRCh37 (hg19) VCF-style: chr1-154560681-G-A.
Other names: c.2054C>T, p.Ala685Val (NM_001025107.3, NM_001193495.2, NM_001365046.1 and 2 more transcripts); c.2966C>T, p.Ala989Val (NM_001365045.1); c.1976C>T, p.Ala659Val (NM_001365049.1); c.2861C>T, p.Ala954Val (NM_015840.4); c.2804C>T, p.Ala935Val (NM_015841.4); short protein forms A685V, A935V, A989V, A659V, A954V, A980V.
Identifiers: ClinVar variation 2944427 (VCV002944427.3), dbSNP rs2526487214, ClinGen allele CA342636094.

ClinVar aggregate classification (germline): Uncertain significance (1 of 4 stars; one submission).

Conditions:
Symmetrical dyschromatosis of extremities (DSH). Also called: DYSCHROMATOSIS SYMMETRICA HEREDITARIA 1; RETICULATE ACROPIGMENTATION OF DOHI; SYMMETRIC DYSCHROMATOSIS OF THE EXTREMITIES; Dyschromatosis symmetrica hereditaria. Identifiers: Orphanet 41, MedGen C0406775, MONDO:0007483, OMIM 127400.
Aicardi-Goutieres syndrome 6 (AGS6). Identifiers: Orphanet 51, MedGen C3539013, MONDO:0014007, OMIM 615010.

Submission:

Labcorp Genetics (formerly Invitae), Labcorp
Classification: Uncertain significance for Aicardi-Goutieres syndrome 6; Symmetrical dyschromatosis of extremities. Last evaluated: 2023-02-16. Review status: criteria provided, single submitter. Criteria: Invitae Variant Classification Sherloc (09022015). Collection method: clinical testing. Allele origin: germline.
Comment: In summary, the available evidence is currently insufficient to determine the role of this variant in disease. Therefore, it has been classified as a Variant of Uncertain Significance. This variant has not been reported in the literature in individuals affected with ADAR-related conditions. This sequence change replaces alanine, which is neutral and non-polar, with valine, which is neutral and non-polar, at codon 980 of the ADAR protein (p.Ala980Val). This variant is not present in population databases (gnomAD no frequency). Advanced modeling of protein sequence and biophysical properties (such as structural, functional, and spatial information, amino acid conservation, physicochemical variation, residue mobility, and thermodynamic stability) performed at Invitae indicates that this missense variant is not expected to disrupt ADAR protein function.